The following is an entry in ClinVar:

ClinVar aggregate classification (germline): Uncertain significance (1 of 4 stars; one submission).

Conditions:
Acute myeloid leukemia (AML). Also called: Leukemia, acute myeloid, somatic; Leukemia, acute myelogenous, somatic; Acute myeloid leukemia, adult; AML adult; Acute non-lymphocytic leukemia; Acute granulocytic leukemia. Identifiers: Orphanet 519, MedGen C0023467, MeSH D015470, MONDO:0018874, OMIM 601626, HP:0004808. Disease mechanism: Constitutively activated FLT3.

Submission:

Labcorp Genetics (formerly Invitae), Labcorp
Classification: Uncertain significance for Acute myeloid leukemia. Last evaluated: 2017-12-21. Review status: criteria provided, single submitter. Criteria: Invitae Variant Classification Sherloc (09022015). Collection method: clinical testing. Allele origin: germline.
Comment: In summary, the available evidence is currently insufficient to determine the role of this variant in disease. Therefore, it has been classified as a Variant of Uncertain Significance. Algorithms developed to predict the effect of missense changes on protein structure and function (SIFT, PolyPhen-2, Align-GVGD) all suggest that this variant is likely to be tolerated, but these predictions have not been confirmed by published functional studies and their clinical significance is uncertain. This variant has not been reported in the literature in individuals with CEBPA-related disease. This variant is not present in population databases (ExAC no frequency). This sequence change replaces serine with arginine at codon 319 of the CEBPA protein (p.Ser319Arg). The serine residue is moderately conserved and there is a moderate physicochemical difference between serine and arginine.

NM_004364.5(CEBPA):c.955A>C (p.Ser319Arg)

Gene: CEBPA (CCAAT enhancer binding protein alpha; minus strand). Cytogenetic location: 19q13.11.
Variant type: single nucleotide variant.
Coding change: c.955A>C on transcript NM_004364.5 (MANE Select); coding-DNA position 955, A replaced by C.
Protein change: p.Ser319Arg; replaces serine 319 with arginine.
Molecular consequence: missense variant.
Genome position (GRCh38, 1-based): chr19:33,301,460, T>G on the plus strand (A>C on the coding strand, the complement: CEBPA is on the minus strand). VCF-style: chr19-33301460-T-G. GRCh37 (hg19) VCF-style: chr19-33792366-T-G.
Other names: c.598A>C, p.Ser200Arg (NM_001285829.2); c.1060A>C, p.Ser354Arg (NM_001287424.2); c.913A>C, p.Ser305Arg (NM_001287435.2); short protein forms S319R, S200R, S354R, S305R.
Identifiers: ClinVar variation 526812 (VCV000526812.9), dbSNP rs1555741962, ClinGen allele CA405273846.